The following is an entry in ClinVar:

NM_001267550.2(TTN):c.44593G>A (p.Glu14865Lys)

Gene: TTN (titin; minus strand). Cytogenetic location: 2q31.2.
Variant type: single nucleotide variant.
Coding change: c.44593G>A on transcript NM_001267550.2 (MANE Select); coding-DNA position 44593, G replaced by A.
Protein change: p.Glu14865Lys; replaces glutamic acid 14865 with lysine.
Molecular consequence: missense variant.
Genome position (GRCh38, 1-based): chr2:178,624,687, C>T on the plus strand (G>A on the coding strand, the complement: TTN is on the minus strand). VCF-style: chr2-178624687-C-T. GRCh37 (hg19) VCF-style: chr2-179489414-C-T.
Other names: c.39670G>A, p.Glu13224Lys (NM_001256850.1); c.36889G>A, p.Glu12297Lys (NM_133378.4); c.17398G>A, p.Glu5800Lys (NM_003319.4); c.17773G>A, p.Glu5925Lys (NM_133432.3); c.17974G>A, p.Glu5992Lys (NM_133437.4); short protein forms E12297K, E14865K, E13224K, E5992K, E5800K, E5925K.
Identifiers: ClinVar variation 229437 (VCV000229437.28), dbSNP rs543102139, ClinGen allele CA1995603.

ClinVar aggregate classification (germline): Conflicting classifications of pathogenicity. Review status: criteria provided, conflicting classifications (1 of 4 stars). 15 submissions from 11 submitters: Uncertain significance (8); Benign (2); Likely benign (5). Last evaluated 2025-12-08.

Conditions:
TTN-related disorder. Also called: TTN-related disorders; TTN-related condition; TTN-related disease.
Dilated cardiomyopathy 1G (CMD1G). Identifiers: Orphanet 154, MedGen C1858763, MONDO:0011400, OMIM 604145.
Autosomal recessive limb-girdle muscular dystrophy type 2J (LGMDR10). Also called: Limb-girdle muscular dystrophy, type 2J; MUSCULAR DYSTROPHY, LIMB-GIRDLE, AUTOSOMAL RECESSIVE 10. Identifiers: Orphanet 140922, MedGen C1837342, MONDO:0012127, OMIM 608807.
Cardiomyopathy (CMYO). Also called: Cardiomyopathies. Identifiers: Orphanet 167848, MedGen C0878544, MONDO:0004994, HP:0001638. Inheritance: Various modes of inheritance.
Myopathy, myofibrillar, 9, with early respiratory failure (MFM9). Also called: Myopathy, distal, with early respiratory failure, autosomal dominant; MYOPATHY, PROXIMAL, WITH EARLY RESPIRATORY MUSCLE INVOLVEMENT; Hereditary myopathy with early respiratory failure; EDSTROM MYOPATHY. Identifiers: Orphanet 178464, Orphanet 34521, MedGen C1863599, MONDO:0011362, OMIM 603689.
Early-onset myopathy with fatal cardiomyopathy (CMYO5). Also called: CONGENITAL MYOPATHY 5 WITH CARDIOMYOPATHY; Salih Myopathy. Identifiers: Orphanet 289377, MedGen C2673677, MONDO:0012714, OMIM 611705. Disease mechanism: loss of function.
Tibial muscular dystrophy (TMD). Also called: Tibial muscular dystrophy, tardive; Udd Distal Myopathy – Tibial Muscular Dystrophy; UDD MYOPATHY. Identifiers: Orphanet 609, MedGen C1838244, MONDO:0010870, OMIM 600334.

Allele frequency attached by ClinVar (database versions not stated): gnomAD exomes 0.00005 and 0.00013; TOPMed 0.00010; ExAC 0.00013; gnomAD 0.00016 and 0.00017; 1000 Genomes Project 0.00060; 1000 Genomes Project 30x 0.00062.
gnomAD v4.1: 92 of 1,612,410 alleles (0.0057%); highest among the groups gnomAD compares: East Asian, 0.058%; no homozygotes.

Submissions (15):

Labcorp Genetics (formerly Invitae), Labcorp
Classification: Likely benign for Dilated cardiomyopathy 1G; Autosomal recessive limb-girdle muscular dystrophy type 2J. Last evaluated: 2025-12-08. Review status: criteria provided, single submitter. Criteria: Invitae Variant Classification Sherloc (09022015). Collection method: clinical testing. Allele origin: germline.

PreventionGenetics, part of Exact Sciences
Classification: Uncertain significance for TTN-related condition. Last evaluated: 2025-12-03. Review status: criteria provided, single submitter. Criteria: ACMG Guidelines, 2015. Collection method: clinical testing. Allele origin: germline.
Comment: The TTN c.44593G>A variant is predicted to result in the amino acid substitution p.Glu14865Lys. To our knowledge, this variant has not been reported in the literature. This variant is reported in 0.093% of alleles in individuals of East Asian descent in gnomAD. Although we suspect that this variant may be benign, at this time, the clinical significance of this variant is uncertain due to the absence of conclusive functional and genetic evidence.

Molecular Diagnostic Laboratory for Inherited Cardiovascular Disease, Montreal Heart Institute
Classification: Likely benign. Last evaluated: 2025-04-09. Review status: criteria provided, single submitter. Criteria: ACMG Guidelines, 2015. Collection method: clinical testing. Allele origin: germline. Affected: no.

ARUP Laboratories, Molecular Genetics and Genomics, ARUP Laboratories
Classification: Uncertain significance. Last evaluated: 2025-01-15. Review status: criteria provided, single submitter. Criteria: ARUP Molecular Germline Variant Investigation Process 2024. Collection method: clinical testing. Allele origin: germline.
Comment: The TTN c.44593G>A; p.Glu14865Lys variant (rs543102139; ClinVar Variation ID: 229437) is rare in the general population (<0.2% allele frequency in the Genome Aggregation Database) and has not been reported in the medical literature in association with dilated cardiomyopathy (DCM) or other TTN-related disease. The clinical relevance of rare missense variants in this gene, which are identified on average once per individual sequenced in affected populations (Herman 2012), is not well understood. Yet, evidence suggests that the vast majority of such missense variants do not contribute to the clinical outcome of DCM (Begay 2015). Thus, the clinical significance of the p.Glu14865Lys variant cannot be determined with certainty. References: Begay RL et al. Role of Titin Missense Variants in Dilated Cardiomyopathy. J Am Heart Assoc. 2015 Nov 13;4(11). PMID: 26567375. Herman DS et al. Truncations of titin causing dilated cardiomyopathy. N Engl J Med. 2012 Feb 16;366(7):619-28. PMID: 22335739.

Blueprint Genetics
Classification: Likely benign. Last evaluated: 2024-08-22. Review status: criteria provided, single submitter. Criteria: ACMG Guidelines, 2015. Collection method: clinical testing. Allele origin: germline.

Women's Health and Genetics/Laboratory Corporation of America, LabCorp
Classification: Uncertain significance. Last evaluated: 2023-09-22. Review status: criteria provided, single submitter. Criteria: LabCorp Variant Classification Summary - May 2015. Collection method: clinical testing. Allele origin: germline.
Comment: Variant summary: TTN c.36889G>A (p.Glu12297Lys) results in a conservative amino acid change located in the I band region of the encoded protein sequence. Two of four in-silico tools predict a benign effect of the variant on protein function. The variant allele was found at a frequency of 0.00013 in 247764 control chromosomes. To our knowledge, no occurrence of c.36889G>A in individuals affected with Limb-Girdle Muscular Dystrophy, Type 2J and no experimental evidence demonstrating its impact on protein function have been reported. Six submitters have cited clinical-significance assessments for this variant to ClinVar after 2014 and classified the variant as VUS (n=2) and benign/likely benign (n=4). Based on the evidence outlined above, the variant was classified as uncertain significance.

Revvity Omics, Revvity
Classification: Uncertain significance. Last evaluated: 2023-06-08. Review status: criteria provided, single submitter. Criteria: ACMG Guidelines, 2015. Collection method: clinical testing. Allele origin: germline.

CHEO Genetics Diagnostic Laboratory, Children's Hospital of Eastern Ontario
Classification: Likely benign for Cardiomyopathy. Last evaluated: 2021-04-14. Review status: criteria provided, single submitter. Criteria: ACMG Guidelines, 2015. Collection method: clinical testing. Allele origin: germline.

GeneDx
Classification: Likely benign. Last evaluated: 2020-06-03. Review status: criteria provided, single submitter. Criteria: GeneDx Variant Classification Process June 2021. Collection method: clinical testing. Allele origin: germline. Affected: yes.

Illumina Laboratory Services, Illumina
Classification: Uncertain significance for Dilated cardiomyopathy 1G. Last evaluated: 2018-01-13. Review status: criteria provided, single submitter. Criteria: ICSL Variant Classification Criteria 13 December 2019. Collection method: clinical testing. Allele origin: germline.

Illumina Laboratory Services, Illumina
Classification: Benign for Myopathy, myofibrillar, 9, with early respiratory failure. Last evaluated: 2018-01-13. Review status: criteria provided, single submitter. Criteria: ICSL Variant Classification Criteria 13 December 2019. Collection method: clinical testing. Allele origin: germline.
Comment: This variant was observed in the ICSL laboratory as part of a predisposition screen in an ostensibly healthy population. It had not been previously curated by ICSL or reported in the Human Gene Mutation Database (HGMD: prior to June 1st, 2018), and was therefore a candidate for classification through an automated scoring system. Utilizing variant allele frequency, disease prevalence and penetrance estimates, and inheritance mode, an automated score was calculated to assess if this variant is too frequent to cause the disease. Based on the score and internal cut-off values, a variant classified as benign is not then subjected to further curation. The score for this variant resulted in a classification of benign for this disease.

Illumina Laboratory Services, Illumina
Classification: Uncertain significance for Early-onset myopathy with fatal cardiomyopathy. Last evaluated: 2018-01-13. Review status: criteria provided, single submitter. Criteria: ICSL Variant Classification Criteria 13 December 2019. Collection method: clinical testing. Allele origin: germline.

Illumina Laboratory Services, Illumina
Classification: Uncertain significance for Autosomal recessive limb-girdle muscular dystrophy type 2J. Last evaluated: 2018-01-13. Review status: criteria provided, single submitter. Criteria: ICSL Variant Classification Criteria 13 December 2019. Collection method: clinical testing. Allele origin: germline.

Illumina Laboratory Services, Illumina
Classification: Benign for Tibial muscular dystrophy. Last evaluated: 2018-01-13. Review status: criteria provided, single submitter. Criteria: ICSL Variant Classification Criteria 13 December 2019. Collection method: clinical testing. Allele origin: germline.
Comment: the same text as in the submission from Illumina Laboratory Services, Illumina above.

Laboratory for Molecular Medicine, Mass General Brigham Personalized Medicine
Classification: Uncertain significance. Last evaluated: 2015-07-08. Review status: criteria provided, single submitter. Criteria: LMM Criteria. Collection method: clinical testing. Allele origin: germline. Observed: 1 variant allele.
Comment: Variant classified as Uncertain Significance - Favor Benign. The p.Glu12297Lys v ariant in TTN has not been previously reported in individuals with cardiomyopath y but has been identified in 0.15% (13/8394) East Asian chromosomes by the Exome Aggregation Consortium (ExAC). Computational pr ediction tools and conservation analyses do not provide strong support for or ag ainst an impact to the protein. In summary, while the clinical significance of t he p.Glu12297Lys variant is uncertain, its frequency suggests that it is more li kely to be benign.